The following is an entry in ClinVar:

NM_007294.4(BRCA1):c.5495T>C (p.Val1832Ala)

Gene: BRCA1 (BRCA1 DNA repair associated; minus strand). Cytogenetic location: 17q21.31.
Variant type: single nucleotide variant.
Coding change: c.5495T>C on transcript NM_007294.4 (MANE Select); coding-DNA position 5495, T replaced by C.
Protein change: p.Val1832Ala; replaces valine 1832 with alanine.
Molecular consequence: missense variant. On other transcripts: 3 prime UTR variant (1), non-coding transcript variant (1).
Genome position (GRCh38, 1-based): chr17:43,045,775, A>G on the plus strand (T>C on the coding strand, the complement: BRCA1 is on the minus strand). VCF-style: chr17-43045775-A-G. GRCh37 (hg19) VCF-style: chr17-41197792-A-G.
Other names: c.5492T>C, p.Val1831Ala (NM_001407619.1, NM_001407620.1, NM_001407621.1 and 14 more transcripts); c.5489T>C, p.Val1830Ala (NM_001407627.1, NM_001407628.1, NM_001407638.1 and 13 more transcripts); c.5351T>C, p.Val1784Ala (NM_001407743.1, NM_001407744.1, NM_001407745.1 and 18 more transcripts); c.2060T>C, p.Val687Ala (NM_001408440.1, NM_001408441.1, NM_001408442.1 and 10 more transcripts); c.2057T>C, p.Val686Ala (NM_001408445.1, NM_001408446.1, NM_001408447.1 and 2 more transcripts); c.5486T>C, p.Val1829Ala (NM_001407644.1, NM_001407645.1); c.5483T>C, p.Val1828Ala (NM_001407646.1); c.5480T>C, p.Val1827Ala (NM_001407647.1); and 74 more; short protein forms V1785A, V1832A, V728A, V1853A, V1535A, V1705A, V1742A, V1764A.
Identifiers: ClinVar variation 868593 (VCV000868593.7), dbSNP rs749290001, ClinGen allele CA055224.
Genomic context (GRCh38, chr17:43,045,775, plus strand): 5'-GTGTCCAGCTCCTGGCACTGGTAGAGTGCTACACTGTCCAACACCCACTCTCGGGTCACC[A>G]CAGGTGCCTCACACATCTGCCCAATTGCTGGAGACAGAGAACACAAGCAGAGATTAGTGT-3'
Protein context (NP_009225.1, residues 1822-1842): HAIGQMCEAP[Val1832Ala]VTREWVLDSV

ClinVar aggregate classification (germline): Uncertain significance. Review status: criteria provided, multiple submitters, no conflicts (2 of 4 stars). 2 submissions from 2 submitters: Uncertain significance (2). Last evaluated 2024-07-15.

Conditions:
Hereditary breast ovarian cancer syndrome. Also called: Hereditary breast and ovarian cancer; Hereditary breast and ovarian cancer syndrome (HBOC); Breast and ovarian cancer; Hereditary breast and/or ovarian cancer syndrome; BRCA1- and BRCA2-Associated Hereditary Breast and Ovarian Cancer; Hereditary breast and ovarian cancer syndrome. Identifiers: Orphanet 145, MedGen C0677776, MeSH D061325, MONDO:0003582. Disease mechanism: loss of function.
Hereditary cancer-predisposing syndrome. Also called: Neoplastic Syndromes, Hereditary; Tumor predisposition; Hereditary Cancer Syndrome; Hereditary neoplastic syndrome. Identifiers: Orphanet 140162, MedGen C0027672, MeSH D009386, MONDO:0015356.

Allele frequency attached by ClinVar (database versions not stated): gnomAD exomes below 0.00001; ExAC 0.00001.
gnomAD v4.1: 1 of 1,614,196 alleles (0.000062%); highest among the groups gnomAD compares: South Asian, 0.0011%; no homozygotes.

Submissions (3):

Labcorp Genetics (formerly Invitae), Labcorp
Classification: Uncertain significance for Hereditary breast ovarian cancer syndrome. Last evaluated: 2024-07-15. Review status: criteria provided, single submitter. Criteria: Invitae Variant Classification Sherloc (09022015). Collection method: clinical testing. Allele origin: germline.
Comment: This sequence change replaces valine, which is neutral and non-polar, with alanine, which is neutral and non-polar, at codon 1832 of the BRCA1 protein (p.Val1832Ala). This variant is present in population databases (rs749290001, gnomAD 0.003%). This variant has not been reported in the literature in individuals affected with BRCA1-related conditions. ClinVar contains an entry for this variant (Variation ID: 868593). Advanced modeling of protein sequence and biophysical properties (such as structural, functional, and spatial information, amino acid conservation, physicochemical variation, residue mobility, and thermodynamic stability) performed at Invitae indicates that this missense variant is expected to disrupt BRCA1 protein function with a positive predictive value of 95%. Experimental studies are conflicting or provide insufficient evidence to determine the effect of this variant on BRCA1 function (PMID: 30209399). In summary, the available evidence is currently insufficient to determine the role of this variant in disease. Therefore, it has been classified as a Variant of Uncertain Significance.

Ambry Genetics
Classification: Uncertain significance for Hereditary cancer-predisposing syndrome. Last evaluated: 2024-03-07. Review status: criteria provided, single submitter. Criteria: Ambry Variant Classification Scheme 2023. Collection method: clinical testing. Allele origin: germline.
Comment: The p.V1832A variant (also known as c.5495T>C), located in coding exon 22 of the BRCA1 gene, results from a T to C substitution at nucleotide position 5495. The valine at codon 1832 is replaced by alanine, an amino acid with similar properties. One functional study found that this nucleotide substitution has intermediate function in a high throughput genome editing haploid cell survival assay (Findlay GM et al. Nature, 2018 Oct;562:217-222). This amino acid position is well conserved in available vertebrate species. In addition, this alteration is predicted to be deleterious by in silico analysis. Based on the available evidence, the clinical significance of this alteration remains unclear.

Brotman Baty Institute, University of Washington
No classification provided (evidence only). Condition: Breast-ovarian cancer, familial 1. Review status: no classification provided. Collection method: in vitro. Allele origin: not applicable. Functional consequence: function_uncertain_variant. Not counted in ClinVar's aggregate classification.
ClinVar note: "not provided" was previously submitted as the classification for the variant. However, the classification appeared to be based only on an observation of functional data so it was converted to no classification on 2025-07-30.

Literature cited by the submitters: PubMed 30209399 (cited by Labcorp Genetics (formerly Invitae), Labcorp and Ambry Genetics).